The following is an entry in ClinVar:

ClinVar aggregate classification (germline): Benign (0 of 4 stars; one submission).

Conditions:
RMI1-related disorder. Also called: RMI1-related condition.

Allele frequency attached by ClinVar (database versions not stated): 1000 Genomes Project 0.67113; 1000 Genomes Project 30x 0.67255; ESP Exome Variant Server 0.68569; gnomAD 0.69392; TOPMed 0.69742; ExAC 0.71517; gnomAD exomes 0.73048.
gnomAD v4.1: 1,165,121 of 1,603,676 alleles (73%); highest among the groups gnomAD compares: Admixed American, 83%; 425,676 homozygotes.

Submission:

PreventionGenetics, part of Exact Sciences
Classification: Benign for RMI1-related condition. Last evaluated: 2024-01-10. Review status: no assertion criteria provided. Collection method: clinical testing. Allele origin: germline.
Comment: This variant is classified as benign based on ACMG/AMP sequence variant interpretation guidelines (Richards et al. 2015 PMID: 25741868, with internal and published modifications).

NM_001358291.2(RMI1):c.1364A>G (p.Asn455Ser)

Gene: RMI1 (RecQ mediated genome instability 1; plus strand). Cytogenetic location: 9q21.32.
Variant type: single nucleotide variant.
Coding change: c.1364A>G on transcript NM_001358291.2 (MANE Select); coding-DNA position 1364, A replaced by G.
Protein change: p.Asn455Ser; replaces asparagine 455 with serine.
Molecular consequence: missense variant.
Genome position (GRCh38, 1-based): chr9:84,002,350, A>G. VCF-style: chr9-84002350-A-G. GRCh37 (hg19) VCF-style: chr9-86617265-A-G.
Other names: c.1364A>G, p.Asn455Ser (NM_001358292.2, NM_001358293.2, NM_001358294.2 and 1 more transcripts); short protein forms N455S.
Identifiers: ClinVar variation 3060293 (VCV003060293.2), dbSNP rs1982151, ClinGen allele CA5104589.